The following is an entry in ClinVar:

ClinVar aggregate classification (germline): Uncertain significance (1 of 4 stars; one submission).

gnomAD v4.1: 12 of 1,613,024 alleles (0.00074%); highest among the groups gnomAD compares: Non-Finnish European, 0.001%; no homozygotes.

Submission:

GeneDx
Classification: Uncertain significance. Last evaluated: 2019-08-08. Review status: criteria provided, single submitter. Criteria: GeneDx Variant Classification Process June 2021. Collection method: clinical testing. Allele origin: germline. Affected: yes.
Comment: Not observed in large population cohorts (Lek et al., 2016); Has not been previously published as pathogenic or benign to our knowledge; In-silico analysis, which includes splice predictors and evolutionary conservation, is inconclusive as to whether the variant alters gene splicing; in the absence of RNA/functional studies, the actual effect of this sequence change is unknown

NM_001365276.2(TNXB):c.8017C>A (p.Arg2673=)

Gene: TNXB (tenascin XB; minus strand). Cytogenetic location: 6p21.33.
Variant type: single nucleotide variant.
Coding change: c.8017C>A on transcript NM_001365276.2 (MANE Select); coding-DNA position 8017, C replaced by A.
Protein change: p.Arg2673=; no amino-acid change (arginine 2673 retained).
Molecular consequence: synonymous variant.
Genome position (GRCh38, 1-based): chr6:32,056,712, G>T on the plus strand (C>A on the coding strand, the complement: TNXB is on the minus strand). VCF-style: chr6-32056712-G-T. GRCh37 (hg19) VCF-style: chr6-32024489-G-T.
Other names: c.8017C>A, p.Arg2673= (NM_019105.8).
Identifiers: ClinVar variation 1307878 (VCV001307878.2), dbSNP rs779108546, ClinGen allele CA449732444.